The following is an entry in ClinVar:

ClinVar aggregate classification (germline): Uncertain significance (1 of 4 stars; one submission).

Conditions:
Hereditary sensory neuropathy-deafness-dementia syndrome. Also called: Hereditary sensory neuropathy type IE; NEUROPATHY, HEREDITARY SENSORY, WITH HEARING LOSS AND DEMENTIA; Hereditary Sensory and Autonomic Neuropathy Type 1E (HSAN1E); HSN IE. Identifiers: Orphanet 456318, MedGen C3279885, MONDO:0013584, OMIM 614116.

gnomAD v4.1: 1 of 1,611,376 alleles (0.000062%); highest among the groups gnomAD compares: Non-Finnish European, 0.000085%; no homozygotes.

Submission:

Labcorp Genetics (formerly Invitae), Labcorp
Classification: Uncertain significance for Hereditary sensory neuropathy-deafness-dementia syndrome. Last evaluated: 2025-08-27. Review status: criteria provided, single submitter. Criteria: Invitae Variant Classification Sherloc (09022015). Collection method: clinical testing. Allele origin: germline.
Comment: This sequence change replaces proline, which is neutral and non-polar, with arginine, which is basic and polar, at codon 1336 of the DNMT1 protein (p.Pro1336Arg). This variant is present in population databases (no rsID available, gnomAD 0.007%). This variant has not been reported in the literature in individuals affected with DNMT1-related conditions. Invitae Evidence Modeling of protein sequence and biophysical properties (such as structural, functional, and spatial information, amino acid conservation, physicochemical variation, residue mobility, and thermodynamic stability) indicates that this missense variant is expected to disrupt DNMT1 protein function with a positive predictive value of 80%. In summary, the available evidence is currently insufficient to determine the role of this variant in disease. Therefore, it has been classified as a Variant of Uncertain Significance.

NM_001130823.3(DNMT1):c.4007C>G (p.Pro1336Arg)

Gene: DNMT1 (DNA methyltransferase 1; minus strand). Cytogenetic location: 19p13.2.
Variant type: single nucleotide variant.
Coding change: c.4007C>G on transcript NM_001130823.3 (MANE Select); coding-DNA position 4007, C replaced by G.
Protein change: p.Pro1336Arg; replaces proline 1336 with arginine.
Molecular consequence: missense variant.
Genome position (GRCh38, 1-based): chr19:10,138,547, G>C on the plus strand (C>G on the coding strand, the complement: DNMT1 is on the minus strand). VCF-style: chr19-10138547-G-C. GRCh37 (hg19) VCF-style: chr19-10249223-G-C.
Other names: c.3644C>G, p.Pro1215Arg (NM_001318731.2); c.3959C>G, p.Pro1320Arg (NM_001379.4, NM_001318730.2); short protein forms P1215R, P1320R, P1336R.
Identifiers: ClinVar variation 4797279 (VCV004797279.1).